The following is an entry in ClinVar:

ClinVar aggregate classification (germline): Likely benign. Review status: criteria provided, multiple submitters, no conflicts (2 of 4 stars). 4 submissions from 4 submitters: Likely benign (4). Last evaluated 2026-01-01.

Allele frequency attached by ClinVar (database versions not stated): gnomAD 0.00001 and 0.00003; TOPMed 0.00003; gnomAD exomes 0.00006 and 0.00008; ExAC 0.00008; ESP Exome Variant Server 0.00015.
gnomAD v4.1: 88 of 1,614,158 alleles (0.0055%); highest among the groups gnomAD compares: Middle Eastern, 0.3%; 1 homozygote.

Submissions (4):

CeGaT Center for Human Genetics Tuebingen
Classification: Likely benign. Last evaluated: 2026-01-01. Review status: criteria provided, single submitter. Criteria: CeGaT Center For Human Genetics Tuebingen Variant Classification Criteria Version 2. Collection method: clinical testing. Allele origin: germline. Affected: yes. Observed: 2 variant alleles.
Comment: PPP2CA: BP4, BP7

Labcorp Genetics (formerly Invitae), Labcorp
Classification: Likely benign. Last evaluated: 2025-08-14. Review status: criteria provided, single submitter. Criteria: Invitae Variant Classification Sherloc (09022015). Collection method: clinical testing. Allele origin: germline.

Blueprint Genetics
Classification: Likely benign. Last evaluated: 2024-11-21. Review status: criteria provided, single submitter. Criteria: ACMG Guidelines, 2015. Collection method: clinical testing. Allele origin: germline.

Breakthrough Genomics
Classification: Likely benign. Review status: criteria provided, single submitter. Criteria: ACMG Guidelines, 2015. Collection method: not provided. Allele origin: germline. Inheritance: Autosomal dominant inheritance. Affected: yes.

NM_002715.4(PPP2CA):c.678G>A (p.Glu226=)

Gene: PPP2CA (protein phosphatase 2 catalytic subunit alpha; minus strand). Cytogenetic location: 5q31.1.
Variant type: single nucleotide variant.
Coding change: c.678G>A on transcript NM_002715.4 (MANE Select); coding-DNA position 678, G replaced by A.
Protein change: p.Glu226=; no amino-acid change (glutamic acid 226 retained).
Molecular consequence: synonymous variant. On other transcripts: non-coding transcript variant (1).
Genome position (GRCh38, 1-based): chr5:134,200,395, C>T on the plus strand (G>A on the coding strand, the complement: PPP2CA is on the minus strand). VCF-style: chr5-134200395-C-T. GRCh37 (hg19) VCF-style: chr5-133536086-C-T.
Other names: c.483G>A, p.Glu161= (NM_001355019.2).
Identifiers: ClinVar variation 1614283 (VCV001614283.34), dbSNP rs139617743, ClinGen allele CA3412785.
Genomic context (GRCh38, chr5:134,200,395, plus strand): 5'-CTCCATCACTAGCTGGTGAGCTCTAGACACCAACGTGAGGCCATTGGCATGATTAAATGT[C>T]TCAGAAATATCTTGCCCAAAGGTGTAACCAGCTCCTCGAGGAGATATACCCCAACCACCA-3'
Protein context (NP_002706.1, residues 216-236): AGYTFGQDIS[Glu226=]TFNHANGLTL